The following is an entry in ClinVar:

ClinVar aggregate classification (germline): Pathogenic (1 of 4 stars; one submission).

Submission:

Labcorp Genetics (formerly Invitae), Labcorp
Classification: Pathogenic. Last evaluated: 2026-01-21. Review status: criteria provided, single submitter. Criteria: Invitae Variant Classification Sherloc (09022015). Collection method: clinical testing. Allele origin: germline.
Comment: This sequence change creates a premature translational stop signal (p.Leu597Argfs*47) in the OTOA gene. It is expected to result in an absent or disrupted protein product. Loss-of-function variants in OTOA are known to be pathogenic (PMID: 11972037). This variant is not present in population databases (gnomAD no frequency). This variant has not been reported in the literature in individuals affected with OTOA-related conditions. For these reasons, this variant has been classified as Pathogenic.

Literature cited by the submitters: PubMed 11972037.

NM_144672.4(OTOA):c.1790del (p.Leu597fs)

Gene: OTOA (otoancorin). Cytogenetic location: 16p12.2.
Variant type: Deletion.
Coding change: c.1790del on transcript NM_144672.4 (MANE Select); coding-DNA position 1790, one base deleted.
Protein change: p.Leu597fs; shifts the reading frame from leucine 597.
Molecular consequence: frameshift variant.
Genome position: GRCh38 VCF-style: chr16-21719487-CT-C. GRCh37 (hg19) VCF-style: chr16-21730808-CT-C.
Other names: c.1553del, p.Leu518fs (NM_001161683.2); c.818del, p.Leu273fs (NM_170664.3); short protein forms L273fs, L518fs, L597fs.
Identifiers: ClinVar variation 4770822 (VCV004770822.1).